The following is an entry in ClinVar:

NM_001136191.3(KANK2):c.547G>A (p.Gly183Arg)

Gene: KANK2 (KN motif and ankyrin repeat domains 2; minus strand). Cytogenetic location: 19p13.2.
Variant type: single nucleotide variant.
Coding change: c.547G>A on transcript NM_001136191.3 (MANE Select); coding-DNA position 547, G replaced by A.
Protein change: p.Gly183Arg; replaces glycine 183 with arginine.
Molecular consequence: missense variant.
Genome position (GRCh38, 1-based): chr19:11,193,533, C>T on the plus strand (G>A on the coding strand, the complement: KANK2 is on the minus strand). VCF-style: chr19-11193533-C-T. GRCh37 (hg19) VCF-style: chr19-11304209-C-T.
Other names: c.547G>A, p.Gly183Arg (NM_001329451.2, NM_001379548.1, NM_001379549.1 and 15 more transcripts); short protein forms G183R.
Identifiers: ClinVar variation 3711870 (VCV003711870.2).

ClinVar aggregate classification (germline): Uncertain significance (1 of 4 stars; one submission).

Submission:

Labcorp Genetics (formerly Invitae), Labcorp
Classification: Uncertain significance. Last evaluated: 2024-07-29. Review status: criteria provided, single submitter. Criteria: Invitae Variant Classification Sherloc (09022015). Collection method: clinical testing. Allele origin: germline.
Comment: This sequence change replaces glycine, which is neutral and non-polar, with arginine, which is basic and polar, at codon 183 of the KANK2 protein (p.Gly183Arg). This variant is present in population databases (rs766118470, gnomAD 0.02%). This variant has not been reported in the literature in individuals affected with KANK2-related conditions. An algorithm developed to predict the effect of missense changes on protein structure and function (PolyPhen-2) suggests that this variant is likely to be tolerated. In summary, the available evidence is currently insufficient to determine the role of this variant in disease. Therefore, it has been classified as a Variant of Uncertain Significance.